The following is an entry in ClinVar:

NM_007262.5(PARK7):c.410delG

Gene: PARK7 (Parkinsonism associated deglycase; plus strand). Cytogenetic location: 1p36.23.
Variant type: Deletion.
Coding change: c.410delG on transcript NM_007262.5 (MANE Select); coding-DNA position 410, one base deleted (G).
Molecular consequence: splice acceptor variant.
Genome position (GRCh38, 1-based): chr1:7,984,894, G deleted; the last of 2 consecutive G bases (chr1:7,984,893-7,984,894); deleting either gives the same sequence. VCF-style (leftmost placement, unchanged base first): chr1-7984892-AG-A. GRCh37 (hg19) VCF-style: chr1-8044952-AG-A.
Identifiers: ClinVar variation 3233830 (VCV003233830.2), dbSNP rs1283858296, ClinGen allele CA739208332.

ClinVar aggregate classification (germline): Uncertain significance (1 of 4 stars; one submission).

Submission:

Women's Health and Genetics/Laboratory Corporation of America, LabCorp
Classification: Uncertain significance. Last evaluated: 2024-03-21. Review status: criteria provided, single submitter. Criteria: LabCorp Variant Classification Summary - May 2015. Collection method: clinical testing. Allele origin: germline.
Comment: Variant summary: PARK7 c.410delG (p.Gly137ValfsX15) results in a premature termination codon in the last exon, predicted to cause a truncation of the encoded protein, however, NMD is not expected. Consensus agreement among computation tools predict no significant impact on normal splicing. However, these predictions have yet to be confirmed by functional studies. The variant was absent in 251468 control chromosomes. The available data on variant occurrences in the general population are insufficient to allow any conclusion about variant significance. To our knowledge, no occurrence of c.410delG in individuals affected with Autosomal Recessive Early-Onset Parkinson Disease 7 and no experimental evidence demonstrating its impact on protein function have been reported. No submitters have cited clinical-significance assessments for this variant to ClinVar. Based on the evidence outlined above, the variant was classified as uncertain significance.